The following is an entry in ClinVar:

NM_000500.9(CYP21A2):c.1160C>T (p.Pro387Leu)

Genes: CYP21A2 (cytochrome P450 family 21 subfamily A member 2; plus strand), LOC106780800 (CYP21A2 recombination region; plus strand). Cytogenetic location: 6p21.33.
Variant type: single nucleotide variant.
Coding change: c.1160C>T on transcript NM_000500.9 (MANE Select); coding-DNA position 1160, C replaced by T.
Protein change: p.Pro387Leu; replaces proline 387 with leucine.
Molecular consequence: missense variant.
Genome position (GRCh38, 1-based): chr6:32,040,709, C>T. VCF-style: chr6-32040709-C-T. GRCh37 (hg19) VCF-style: chr6-32008486-C-T.
Other names: c.1070C>T, p.Pro357Leu (NM_001128590.4); c.755C>T, p.Pro252Leu (NM_001368143.2, NM_001368144.2); short protein forms P252L, P357L, P387L.
Identifiers: ClinVar variation 2635968 (VCV002635968.1), dbSNP rs546660952, ClinGen allele CA3732658.
Genomic context (GRCh38, chr6:32,040,709, plus strand): 5'-TAACTCCAGCCCCCTTCAGCATCTCCGGCTACGACATCCCTGAGGGCACAGTCATCATTC[C>T]GAACCTCCAAGGCGCCCACCTGGATGAGACGGTCTGGGAGAGGCCACATGAGTTCTGGCC-3'
Protein context (NP_000491.4, residues 377-397): YDIPEGTVII[Pro387Leu]NLQGAHLDET

ClinVar aggregate classification (germline): Likely pathogenic (1 of 4 stars; one submission).

Conditions:
CYP21A2-related disorder. Also called: CYP21A2-related condition.

Allele frequency attached by ClinVar (database versions not stated): 1000 Genomes Project 0.00020; ExAC 0.00020; 1000 Genomes Project 30x 0.00031.

Submission:

PreventionGenetics, part of Exact Sciences
Classification: Likely pathogenic for CYP21A2-related condition. Last evaluated: 2023-09-01. Review status: criteria provided, single submitter. Criteria: ACMG Guidelines, 2015. Collection method: clinical testing. Allele origin: germline.
Comment: The CYP21A2 c.1160C>T variant is predicted to result in the amino acid substitution p.Pro387Leu. The residue p.Pro387 (aka p.Pro386 in the literature) is located in a very hydrophobic pocket on the β7-sheet of the enzyme steroid 21-hydroxylase. This variant has been reported to be associated with the non-classical form of congenital adrenal hyperplasia (CAH) due to localized steric clashes caused by a residue substitution with longer side chain (Haider et al. 2013. PubMed ID: 23359706; Table 6, Baumgartner-Parzer et al. 2020. PubMed ID: 32616876). This variant is reported in 0.16% of alleles in individuals of Ashkenazi Jewish descent in gnomAD. This variant falls within a highly paralogous region. Allele frequency data should be interpreted with caution. Of note, a different missense change at the same amino acid (p.Pro387Arg) has been reported in the compound heterozygous state with a truncating CYP21A2 variant in an individual with salt-wasting (SW) CAH likely due to the disruption of hydrophobicity and protein instability resulting from the polar and bulkier residue arginine substitution (described as Pro386Arg, Vrzalová et al. 2010. PubMed ID: 20818501; Haider et al. 2013. PubMed ID: 23359706). Therefore, we classify the Pro387Leu variant as likely pathogenic.